The following is an entry in ClinVar:

ClinVar aggregate classification (germline): Likely pathogenic (1 of 4 stars; one submission).

Conditions:
Carnitine palmitoyltransferase II deficiency. Also called: Carnitine Palmitoyltransferase 2 Deficiency. Identifiers: Orphanet 157, MedGen C0342790, MONDO:0015515.

Submission:

Labcorp Genetics (formerly Invitae), Labcorp
Classification: Likely pathogenic for Carnitine palmitoyltransferase II deficiency. Last evaluated: 2024-01-23. Review status: criteria provided, single submitter. Criteria: Invitae Variant Classification Sherloc (09022015). Collection method: clinical testing. Allele origin: unknown.
Comment: This variant results in the deletion of part of exon 4 (c.341-2279_440delins69) of the CPT2 gene. It is expected to disrupt RNA splicing. Variants that disrupt the donor or acceptor splice site typically lead to a loss of protein function (PMID: 16199547), and loss-of-function variants in CPT2 are known to be pathogenic (PMID: 16781677, 16996287). This variant has not been reported in the literature in individuals affected with CPT2-related conditions. In summary, the currently available evidence indicates that the variant is pathogenic, but additional data are needed to prove that conclusively. Therefore, this variant has been classified as Likely Pathogenic.

Literature cited by the submitters: PubMed 16199547; PubMed 16781677; PubMed 16996287.

NC_000001.10:g.(?_53673408)_(53675786_?)del

Gene: CPT2 (carnitine palmitoyltransferase 2; plus strand). Cytogenetic location: 1p32.3.
Variant type: Deletion.
Identifiers: ClinVar variation 3247689 (VCV003247689.1).